The following is an entry in ClinVar:

ClinVar aggregate classification (germline): Likely benign (1 of 4 stars; one submission).

Conditions:
Tuberous sclerosis 1 (TSC1). Identifiers: Orphanet 805, MedGen C1854465, MONDO:0008612, OMIM 191100.

Submission:

Myriad Genetics, Inc.
Classification: Likely benign for Tuberous sclerosis 1. Last evaluated: 2025-04-25. Review status: criteria provided, single submitter. Criteria: Myriad Autosomal Dominant, Autosomal Recessive and X-Linked Classification Criteria (2023). Collection method: clinical testing. Allele origin: unknown.
Comment: This variant is considered likely benign. This variant is intronic and is not expected to impact mRNA splicing.

NM_000368.5(TSC1):c.2392-10C>T

Gene: TSC1 (TSC complex subunit 1; minus strand). Cytogenetic location: 9q34.13.
Variant type: single nucleotide variant.
Coding change: c.2392-10C>T on transcript NM_000368.5 (MANE Select); 10 bases into the intron before coding-DNA position 2392, C replaced by T.
Molecular consequence: intron variant.
Genome position (GRCh38, 1-based): chr9:132,901,709, G>A on the plus strand (C>T on the coding strand, the complement: TSC1 is on the minus strand). VCF-style: chr9-132901709-G-A. GRCh37 (hg19) VCF-style: chr9-135777096-G-A.
Other names: c.2026-10C>T (NM_001406620.1, NM_001406625.1, NM_001406621.1 and 2 more transcripts); c.2029-10C>T (NM_001406618.1, NM_001406617.1, NM_001406619.1 and 5 more transcripts); c.2236-10C>T (NM_001406613.1, NM_001406612.1, NM_001406611.1); c.2239-10C>T (NM_001406610.1, NM_001162427.2); c.1438-10C>T (NM_001406627.1, NM_001406628.1); c.1339-10C>T (NM_001406629.1, NM_001406630.1); c.2374-10C>T (NM_001406603.1, NM_001406604.1); c.2389-10C>T (NM_001406609.1, NM_001406597.1, NM_001406600.1 and 4 more transcripts); and 3 more.
Identifiers: ClinVar variation 4071275 (VCV004071275.1).
Genomic context (GRCh38, chr9:132,901,709, plus strand): 5'-CAGTTCTATCCGCAGCTCCGCAATCATGTTCCTGCAGTCCTCCAGCTTCGTCTGCCCAAA[G>A]AGACGTGGACATGAAGTTTGAGGAACACCAACAGGCCAGATCACAGGCCTACCTAGCCAC-3'